The following is an entry in ClinVar:

NM_032237.5(POMK):c.68T>C (p.Leu23Pro)

Gene: POMK (protein O-mannose kinase; plus strand). Cytogenetic location: 8p11.21.
Variant type: single nucleotide variant.
Coding change: c.68T>C on transcript NM_032237.5 (MANE Select); coding-DNA position 68, T replaced by C.
Protein change: p.Leu23Pro; replaces leucine 23 with proline.
Molecular consequence: missense variant.
Genome position (GRCh38, 1-based): chr8:43,103,616, T>C. VCF-style: chr8-43103616-T-C. GRCh37 (hg19) VCF-style: chr8-42958759-T-C.
Other names: c.68T>C, p.Leu23Pro (NM_001277971.2); short protein forms L23P.
Identifiers: ClinVar variation 474195 (VCV000474195.8), dbSNP rs200277006, ClinGen allele CA4736190.
Genomic context (GRCh38, chr8:43,103,616, plus strand): 5'-AGCAGCCCCAGAACAGCAGGAGAGGCCTCGCCCCCCGAGAGGTGCCGCCAGCTGTTGGGC[T>C]GCTGCTGATCATGGCCCTGATGAATACTCTGCTCTACCTCTGCCTCGACCACTTCTTCAT-3'
Protein context (NP_115613.1, residues 13-33): APREVPPAVG[Leu23Pro]LLIMALMNTL

ClinVar aggregate classification (germline): Uncertain significance (1 of 4 stars; one submission).

Conditions:
Limb-girdle muscular dystrophy due to POMK deficiency. Also called: Muscular dystrophy-dystroglycanopathy (limb-girdle), type c, 12; MUSCULAR DYSTROPHY-DYSTROGLYCANOPATHY, LIMB-GIRDLE, POMK-RELATED. Identifiers: Orphanet 445110, MedGen C4015184, MONDO:0014489, OMIM 616094.
Muscular dystrophy-dystroglycanopathy (congenital with brain and eye anomalies), type a, 12 (MDDGA12). Also called: WALKER-WARBURG SYNDROME OR MUSCLE-EYE-BRAIN DISEASE, POMK-RELATED. Identifiers: Orphanet 899, MedGen C3808964, MONDO:0014101, OMIM 615249.

Allele frequency attached by ClinVar (database versions not stated): ExAC 0.00002; gnomAD 0.00002 and 0.00003; gnomAD exomes 0.00002; TOPMed 0.00005; 1000 Genomes Project 30x 0.00016.
gnomAD v4.1: 33 of 1,613,622 alleles (0.002%); highest among the groups gnomAD compares: Admixed American, 0.01%; no homozygotes.

Submission:

Labcorp Genetics (formerly Invitae), Labcorp
Classification: Uncertain significance for Muscular dystrophy-dystroglycanopathy (congenital with brain and eye anomalies), type a, 12; Limb-girdle muscular dystrophy due to POMK deficiency. Last evaluated: 2022-11-07. Review status: criteria provided, single submitter. Criteria: Invitae Variant Classification Sherloc (09022015). Collection method: clinical testing. Allele origin: germline.
Comment: In summary, the available evidence is currently insufficient to determine the role of this variant in disease. Therefore, it has been classified as a Variant of Uncertain Significance. Advanced modeling of protein sequence and biophysical properties (such as structural, functional, and spatial information, amino acid conservation, physicochemical variation, residue mobility, and thermodynamic stability) performed at Invitae indicates that this missense variant is not expected to disrupt POMK protein function. ClinVar contains an entry for this variant (Variation ID: 474195). This variant has not been reported in the literature in individuals affected with POMK-related conditions. This variant is present in population databases (rs200277006, gnomAD 0.06%). This sequence change replaces leucine, which is neutral and non-polar, with proline, which is neutral and non-polar, at codon 23 of the POMK protein (p.Leu23Pro).